The following is an entry in ClinVar:

ClinVar aggregate classification (germline): Uncertain significance. Review status: criteria provided, multiple submitters, no conflicts (2 of 4 stars). 2 submissions from 2 submitters: Uncertain significance (2). Last evaluated 2024-11-25.

Conditions:
Colorectal cancer, hereditary nonpolyposis, type 7. Identifiers: Orphanet 144, MedGen C1858380, MONDO:0013725, OMIM 614385.

Allele frequency attached by ClinVar (database versions not stated): gnomAD exomes below 0.00001.
gnomAD v4.1: 6 of 1,614,136 alleles (0.00037%); highest among the groups gnomAD compares: Non-Finnish European, 0.00051%; no homozygotes.

Submissions (2):

Ambry Genetics
Classification: Uncertain significance. Last evaluated: 2024-11-25. Review status: criteria provided, single submitter. Criteria: Ambry Variant Classification Scheme 2023. Collection method: clinical testing. Allele origin: germline.
Comment: The p.P1398L variant (also known as c.4193C>T), located in coding exon 11 of the MLH3 gene, results from a C to T substitution at nucleotide position 4193. The proline at codon 1398 is replaced by leucine, an amino acid with similar properties. This amino acid position is highly conserved in available vertebrate species. In addition, this alteration is predicted to be deleterious by in silico analysis. Since supporting evidence is limited at this time, the clinical significance of this alteration remains unclear.

Labcorp Genetics (formerly Invitae), Labcorp
Classification: Uncertain significance for Colorectal cancer, hereditary nonpolyposis, type 7. Last evaluated: 2024-11-16. Review status: criteria provided, single submitter. Criteria: Invitae Variant Classification Sherloc (09022015). Collection method: clinical testing. Allele origin: germline.
Comment: This sequence change replaces proline, which is neutral and non-polar, with leucine, which is neutral and non-polar, at codon 1398 of the MLH3 protein (p.Pro1398Leu). This variant is not present in population databases (gnomAD no frequency). This variant has not been reported in the literature in individuals affected with MLH3-related conditions. ClinVar contains an entry for this variant (Variation ID: 2497055). An algorithm developed to predict the effect of missense changes on protein structure and function (PolyPhen-2) suggests that this variant is likely to be disruptive. In summary, the available evidence is currently insufficient to determine the role of this variant in disease. Therefore, it has been classified as a Variant of Uncertain Significance.

NM_001040108.2(MLH3):c.4193C>T (p.Pro1398Leu)

Gene: MLH3 (mutL homolog 3; minus strand). Cytogenetic location: 14q24.3.
Variant type: single nucleotide variant.
Coding change: c.4193C>T on transcript NM_001040108.2 (MANE Select); coding-DNA position 4193, C replaced by T.
Protein change: p.Pro1398Leu; replaces proline 1398 with leucine.
Molecular consequence: missense variant.
Genome position (GRCh38, 1-based): chr14:75,018,878, G>A on the plus strand (C>T on the coding strand, the complement: MLH3 is on the minus strand). VCF-style: chr14-75018878-G-A. GRCh37 (hg19) VCF-style: chr14-75485581-G-A.
Other names: c.4121C>T, p.Pro1374Leu (NM_014381.3); short protein forms P1398L, P1374L.
Identifiers: ClinVar variation 2497055 (VCV002497055.6), dbSNP rs2139296486, ClinGen allele CA390418842.